The following is an entry in ClinVar:

NM_024685.4(BBS10):c.337A>G (p.Ile113Val)

Gene: BBS10 (Bardet-Biedl syndrome 10; minus strand). Cytogenetic location: 12q21.2.
Variant type: single nucleotide variant.
Coding change: c.337A>G on transcript NM_024685.4 (MANE Select); coding-DNA position 337, A replaced by G.
Protein change: p.Ile113Val; replaces isoleucine 113 with valine.
Molecular consequence: missense variant.
Genome position (GRCh38, 1-based): chr12:76,347,648, T>C on the plus strand (A>G on the coding strand, the complement: BBS10 is on the minus strand). VCF-style: chr12-76347648-T-C. GRCh37 (hg19) VCF-style: chr12-76741428-T-C.
Other names: short protein forms I113V.
Identifiers: ClinVar variation 1053590 (VCV001053590.7), dbSNP rs969686018, ClinGen allele CA239332512.

ClinVar aggregate classification (germline): Uncertain significance. Review status: criteria provided, single submitter (1 of 4 stars). 2 submissions from 2 submitters: Uncertain significance (1). 1 of the submissions does not count toward it. Last evaluated 2022-08-09.

Conditions:
Bardet-Biedl syndrome (BBS). Identifiers: Orphanet 110, MedGen C0752166, MONDO:0015229.
Bardet-Biedl syndrome 10 (BBS10). Identifiers: Orphanet 110, MedGen C1859568, MONDO:0014438, OMIM 615987.

Allele frequency attached by ClinVar (database versions not stated): gnomAD exomes below 0.00001; gnomAD 0.00001.
gnomAD v4.1: 2 of 1,613,746 alleles (0.00012%); highest among the groups gnomAD compares: Admixed American, 0.0033%; no homozygotes.

Submissions (2):

Labcorp Genetics (formerly Invitae), Labcorp
Classification: Uncertain significance for Bardet-Biedl syndrome. Last evaluated: 2022-08-09. Review status: criteria provided, single submitter. Criteria: Invitae Variant Classification Sherloc (09022015). Collection method: clinical testing. Allele origin: germline.
Comment: This sequence change replaces isoleucine, which is neutral and non-polar, with valine, which is neutral and non-polar, at codon 113 of the BBS10 protein (p.Ile113Val). This variant is present in population databases (no rsID available, gnomAD 0.003%). This variant has not been reported in the literature in individuals affected with BBS10-related conditions. ClinVar contains an entry for this variant (Variation ID: 1053590). Algorithms developed to predict the effect of missense changes on protein structure and function output the following: SIFT: "Tolerated"; PolyPhen-2: "Benign"; Align-GVGD: "Class C0". The valine amino acid residue is found in multiple mammalian species, which suggests that this missense change does not adversely affect protein function. In summary, the available evidence is currently insufficient to determine the role of this variant in disease. Therefore, it has been classified as a Variant of Uncertain Significance.

Natera, Inc.
Classification: Uncertain significance for Bardet-Biedl syndrome type 10. Last evaluated: 2020-09-28. Review status: no assertion criteria provided. Collection method: clinical testing. Allele origin: germline. Not counted in ClinVar's aggregate classification.